The following is an entry in ClinVar:

ClinVar aggregate classification (germline): Likely benign. Review status: criteria provided, multiple submitters, no conflicts (2 of 4 stars). 5 submissions from 5 submitters: Likely benign (4). 1 of the submissions does not count toward it. Last evaluated 2026-07-01.

Conditions:
DNHD1-related disorder. Also called: DNHD1-related condition.

Allele frequency attached by ClinVar (database versions not stated): 1000 Genomes Project 0.00200; 1000 Genomes Project 30x 0.00250; gnomAD 0.00320 and 0.00331; ESP Exome Variant Server 0.00350; TOPMed 0.00367; gnomAD exomes 0.00417 and 0.00432; ExAC 0.00523.
gnomAD v4.1: 6,524 of 1,550,816 alleles (0.42%); highest among the groups gnomAD compares: South Asian, 0.56%; 23 homozygotes.

Submissions (10):

CeGaT Center for Human Genetics Tuebingen
Classification: Likely benign. Last evaluated: 2026-07-01. Review status: criteria provided, single submitter. Criteria: CeGaT Center For Human Genetics Tuebingen Variant Classification Criteria Version 2. Collection method: clinical testing. Allele origin: germline. Affected: yes. Observed: 6 variant alleles.
Comment: DNHD1: PP2, BP4, BS2

Blueprint Genetics
Classification: Likely benign. Last evaluated: 2024-11-26. Review status: criteria provided, single submitter. Criteria: ACMG Guidelines, 2015. Collection method: clinical testing. Allele origin: germline.

Labcorp Genetics (formerly Invitae), Labcorp
Classification: Likely benign. Last evaluated: 2019-12-31. Review status: criteria provided, single submitter. Criteria: Invitae Variant Classification Sherloc (09022015). Collection method: clinical testing. Allele origin: germline.

Breakthrough Genomics
Classification: Likely benign. Review status: criteria provided, single submitter. Criteria: ACMG Guidelines, 2015. Collection method: not provided. Allele origin: germline. Inheritance: Autosomal recessive inheritance. Affected: yes.

PreventionGenetics, part of Exact Sciences
Classification: Benign for DNHD1-related condition. Last evaluated: 2019-08-01. Review status: no assertion criteria provided. Collection method: clinical testing. Allele origin: germline. Not counted in ClinVar's aggregate classification.
Comment: This variant is classified as benign based on ACMG/AMP sequence variant interpretation guidelines (Richards et al. 2015 PMID: 25741868, with internal and published modifications).

Dr. Peter K. Rogan Lab, Western University
No classification provided (evidence only). Condition: Clear cell carcinoma of kidney. Review status: no classification provided. Collection method: in vitro. Allele origin: not applicable. Functional consequence: retained intron. Not counted in ClinVar's aggregate classification.

Dr. Peter K. Rogan Lab, Western University
No classification provided (evidence only). Condition: Clear cell carcinoma of kidney. Review status: no classification provided. Collection method: in vitro. Allele origin: not applicable. Functional consequence: retained intron. Not counted in ClinVar's aggregate classification.

Dr. Peter K. Rogan Lab, Western University
No classification provided (evidence only). Condition: Familial cancer of breast. Review status: no classification provided. Collection method: in vitro. Allele origin: not applicable. Functional consequence: retained intron. Not counted in ClinVar's aggregate classification.

Dr. Peter K. Rogan Lab, Western University
No classification provided (evidence only). Condition: Hepatocellular carcinoma. Review status: no classification provided. Collection method: in vitro. Allele origin: not applicable. Functional consequence: retained intron. Not counted in ClinVar's aggregate classification.

Dr. Peter K. Rogan Lab, Western University
No classification provided (evidence only). Condition: Malignant tumor of esophagus. Review status: no classification provided. Collection method: in vitro. Allele origin: not applicable. Functional consequence: retained intron. Not counted in ClinVar's aggregate classification.

NM_144666.3(DNHD1):c.8116C>A (p.Pro2706Thr)

Gene: DNHD1 (dynein heavy chain domain 1; plus strand). Cytogenetic location: 11p15.4.
Variant type: single nucleotide variant.
Coding change: c.8116C>A on transcript NM_144666.3 (MANE Select); coding-DNA position 8116, C replaced by A.
Protein change: p.Pro2706Thr; replaces proline 2706 with threonine.
Molecular consequence: missense variant.
Genome position (GRCh38, 1-based): chr11:6,557,411, C>A. VCF-style: chr11-6557411-C-A. GRCh37 (hg19) VCF-style: chr11-6578641-C-A.
Other names: NC_000011.9:g.6578641C>A; short protein forms P2706T.
Identifiers: ClinVar variation 770399 (VCV000770399.32), dbSNP rs192678564, ClinGen allele CA5856285.